The following is an entry in ClinVar:

ClinVar aggregate classification (germline): Uncertain significance (1 of 4 stars; one submission).

gnomAD v4.1: 10 of 1,614,042 alleles (0.00062%); highest among the groups gnomAD compares: Non-Finnish European, 0.00085%; no homozygotes.

Submission:

Ambry Genetics
Classification: Uncertain significance. Last evaluated: 2025-04-09. Review status: criteria provided, single submitter. Criteria: Ambry Variant Classification Scheme 2023. Collection method: clinical testing. Allele origin: germline.
Comment: The p.V832A variant (also known as c.2495T>C), located in coding exon 1 of the TET2 gene, results from a T to C substitution at nucleotide position 2495. The valine at codon 832 is replaced by alanine, an amino acid with similar properties. This amino acid position is conserved. In addition, this alteration is predicted to be tolerated by in silico analysis. Based on the available evidence, the clinical significance of this variant remains unclear.

NM_001127208.3(TET2):c.2495T>C (p.Val832Ala)

Genes: TET2 (tet methylcytosine dioxygenase 2; plus strand), TET2-AS1 (TET2 antisense RNA 1; minus strand). Cytogenetic location: 4q24.
Variant type: single nucleotide variant.
Coding change: c.2495T>C on transcript NM_001127208.3 (MANE Select); coding-DNA position 2495, T replaced by C.
Protein change: p.Val832Ala; replaces valine 832 with alanine.
Molecular consequence: missense variant.
Genome position (GRCh38, 1-based): chr4:105,236,437, T>C. VCF-style: chr4-105236437-T-C. GRCh37 (hg19) VCF-style: chr4-106157594-T-C.
Other names: c.2495T>C, p.Val832Ala (NM_017628.4); short protein forms V832A.
Identifiers: ClinVar variation 3967546 (VCV003967546.1).
Genomic context (GRCh38, chr4:105,236,437, plus strand): 5'-TAAATCGTAGAAATTCCCCTTATAGTCAGACCATGAAATCAAGTGCATGCAAAATACAGG[T>C]TTCTTGTTCAAACAATACACACCTAGTTTCAGAGAATAAAGAACAGACTACACATCCTGA-3'
Protein context (NP_001120680.1, residues 822-842): TMKSSACKIQ[Val832Ala]SCSNNTHLVS